The following is an entry in ClinVar:

ClinVar aggregate classification (germline): Likely pathogenic (1 of 4 stars; one submission).
ClinVar aggregate classification (somatic clinical impact): Tier I - Strong (1 of 4 stars; one submission).

Conditions:
Hereditary cancer-predisposing syndrome. Also called: Tumor predisposition; Neoplastic Syndromes, Hereditary; Hereditary neoplastic syndrome; Hereditary Cancer Syndrome. Identifiers: Orphanet 140162, MedGen C0027672, MeSH D009386, MONDO:0015356.
Pheochromocytoma. Also called: MAX-Related Hereditary Paraganglioma-Pheochromocytoma Syndrome. Identifiers: Orphanet 29072, MedGen C0031511, MONDO:0008233, OMIM 171300, HP:0002666.

Submissions (2):

Ambry Genetics
Classification: Likely pathogenic for Hereditary cancer-predisposing syndrome. Last evaluated: 2026-05-13. Review status: criteria provided, single submitter. Criteria: Ambry Variant Classification Scheme 2023. Collection method: clinical testing. Allele origin: germline.
Comment: The p.K159E variant (also known as c.475A>G), located in coding exon 3 of the VHL gene, results from an A to G substitution at nucleotide position 475. The lysine at codon 159 is replaced by glutamic acid, an amino acid with similar properties. This variant was reported in individual(s) with features consistent with von Hippel-Lindau syndrome (Zbar B et al. Hum Mutat, 1996;8:348-57; Reich M et al. Acta Ophthalmol, 2021 Dec;99:e1492-e1500; Gao L et al. Genes (Basel), 2024 Sep;15:). This variant was determined to be functionally deleterious in one saturation genome editing assay (Buckley M et al. Nat Genet, 2024 Jul;56:1446-1455). Based on internal structural analysis, this variant is anticipated to disrupt a region of known function (Ambry internal data). This amino acid position is highly conserved in available vertebrate species. In addition, this alteration is predicted to be deleterious by in silico analysis. This variant is considered to be rare based on population cohorts in the Genome Aggregation Database (gnomAD). Based on the majority of available evidence to date, this variant is likely to be pathogenic.

Institute for Genomic Medicine (IGM) Clinical Laboratory, Nationwide Children's Hospital
Classification: Tier I - Strong for Pheochromocytoma. Assertion type: diagnostic. Clinical significance: supports diagnosis. Last evaluated: 2023-10-30. Review status: criteria provided, single submitter. Criteria: AMP/ASCO/CAP Guidelines, 2017. Collection method: clinical testing. Allele origin: somatic. Affected: yes.
Comment: Variant has Tier I (strong) clinical significance as a diagnostic inclusion criterion in pheochromocytoma, based on the following evidence: 1) Documented in one or more cancer databases (e.g., St. Jude Pecan, COSMIC, CIViC, OncoKB). 2) Appears in one or more well-established professional guidelines (e.g., World Health Organization [WHO]; National Comprehensive Cancer Network [NCCN]) as providing diagnostic, prognostic, or therapeutic information (PMIDs: 21784903, 25545346, 28162975, 29413423, 33362715, 36854674). 3) Information in the literature supports potential biologic effect of variant (PMIDs: 25661653, 28591624). 4) Diagnostic for a specific tumor type/classification based on well-powered studies with expert-level consensus (Evidence Level B; PMIDs: 21784903, 25545346, 28162975, 29413423, 33362715, 36854674).

Literature cited by the submitters: PubMed 33720516 (cited by Ambry Genetics); PubMed 38969834 (cited by Ambry Genetics); PubMed 39336783 (cited by Ambry Genetics); PubMed 8956040 (cited by Ambry Genetics); PubMed 21784903 (cited by Institute for Genomic Medicine (IGM) Clinical Laboratory, Nationwide Children's Hospital); PubMed 25545346 (cited by Institute for Genomic Medicine (IGM) Clinical Laboratory, Nationwide Children's Hospital); PubMed 28162975 (cited by Institute for Genomic Medicine (IGM) Clinical Laboratory, Nationwide Children's Hospital); PubMed 29413423 (cited by Institute for Genomic Medicine (IGM) Clinical Laboratory, Nationwide Children's Hospital); PubMed 33362715 (cited by Institute for Genomic Medicine (IGM) Clinical Laboratory, Nationwide Children's Hospital); PubMed 36854674 (cited by Institute for Genomic Medicine (IGM) Clinical Laboratory, Nationwide Children's Hospital); PubMed 25661653 (cited by Institute for Genomic Medicine (IGM) Clinical Laboratory, Nationwide Children's Hospital); PubMed 28591624 (cited by Institute for Genomic Medicine (IGM) Clinical Laboratory, Nationwide Children's Hospital).

NM_000551.4(VHL):c.475A>G (p.Lys159Glu)

Genes: VHL (von Hippel-Lindau tumor suppressor; plus strand), LOC107303340 (3p25 von Hippel-Lindau tumor suppressor, E3 ubiquitin protein ligase Alu-mediated recombination region; plus strand). Cytogenetic location: 3p25.3.
Variant type: single nucleotide variant.
Coding change: c.475A>G on transcript NM_000551.4 (MANE Select); coding-DNA position 475, A replaced by G.
Protein change: p.Lys159Glu; replaces lysine 159 with glutamic acid.
Molecular consequence: missense variant. On other transcripts: 3 prime UTR variant (1).
Genome position (GRCh38, 1-based): chr3:10,149,798, A>G. VCF-style: chr3-10149798-A-G. GRCh37 (hg19) VCF-style: chr3-10191482-A-G.
Other names: c.*29A>G (NM_001354723.2); c.352A>G, p.Lys118Glu (NM_198156.3); short protein forms K159E, K118E.
Identifiers: ClinVar variation 825149 (VCV000825149.6), dbSNP rs1575932011, ClinGen allele CA351756078.